The following is an entry in ClinVar:

ClinVar aggregate classification (germline): Uncertain significance (1 of 4 stars; one submission).

Conditions:
RYR1-related disorder. Also called: RYR1-related condition; RYR1-related disorders. Identifiers: MedGen CN239331.

Allele frequency attached by ClinVar (database versions not stated): gnomAD exomes below 0.00001; gnomAD 0.00001; TOPMed 0.00001.
gnomAD v4.1: 3 of 1,612,728 alleles (0.00019%); highest among the groups gnomAD compares: Admixed American, 0.0033%; no homozygotes.

Submission:

Labcorp Genetics (formerly Invitae), Labcorp
Classification: Uncertain significance for RYR1-related disorder. Last evaluated: 2022-10-13. Review status: criteria provided, single submitter. Criteria: Invitae Variant Classification Sherloc (09022015). Collection method: clinical testing. Allele origin: germline.
Comment: This variant has not been reported in the literature in individuals affected with RYR1-related conditions. In summary, the available evidence is currently insufficient to determine the role of this variant in disease. Therefore, it has been classified as a Variant of Uncertain Significance. Advanced modeling of protein sequence and biophysical properties (such as structural, functional, and spatial information, amino acid conservation, physicochemical variation, residue mobility, and thermodynamic stability) has been performed at Invitae for this missense variant, however the output from this modeling did not meet the statistical confidence thresholds required to predict the impact of this variant on RYR1 protein function. This variant is not present in population databases (gnomAD no frequency). This sequence change replaces glutamine, which is neutral and polar, with arginine, which is basic and polar, at codon 2127 of the RYR1 protein (p.Gln2127Arg).

NM_000540.3(RYR1):c.6380A>G (p.Gln2127Arg)

Gene: RYR1 (ryanodine receptor 1; plus strand). Cytogenetic location: 19q13.2.
Variant type: single nucleotide variant.
Coding change: c.6380A>G on transcript NM_000540.3 (MANE Select); coding-DNA position 6380, A replaced by G.
Protein change: p.Gln2127Arg; replaces glutamine 2127 with arginine.
Molecular consequence: missense variant.
Genome position (GRCh38, 1-based): chr19:38,494,457, A>G. VCF-style: chr19-38494457-A-G. GRCh37 (hg19) VCF-style: chr19-38985097-A-G.
Other names: c.6380A>G, p.Gln2127Arg (NM_001042723.2); short protein forms Q2127R.
Identifiers: ClinVar variation 2421772 (VCV002421772.6), dbSNP rs1969708766, ClinGen allele CA405663771.